The following is an entry in ClinVar:

ClinVar aggregate classification (germline): Uncertain significance (1 of 4 stars; one submission).

Conditions:
Immunodeficiency 39 (IMD39). Identifiers: Orphanet 574918, MedGen C4225358, MONDO:0014597, OMIM 616345.

Allele frequency attached by ClinVar (database versions not stated): TOPMed 0.00001; ExAC 0.00002.

Submission:

Labcorp Genetics (formerly Invitae), Labcorp
Classification: Uncertain significance for Immunodeficiency 39. Last evaluated: 2023-12-30. Review status: criteria provided, single submitter. Criteria: Invitae Variant Classification Sherloc (09022015). Collection method: clinical testing. Allele origin: germline.
Comment: This sequence change replaces aspartic acid, which is acidic and polar, with asparagine, which is neutral and polar, at codon 12 of the IRF7 protein (p.Asp12Asn). The frequency data for this variant in the population databases is considered unreliable, as metrics indicate poor data quality at this position in the gnomAD database. This variant has not been reported in the literature in individuals affected with IRF7-related conditions. An algorithm developed to predict the effect of missense changes on protein structure and function (PolyPhen-2) suggests that this variant is likely to be tolerated. In summary, the available evidence is currently insufficient to determine the role of this variant in disease. Therefore, it has been classified as a Variant of Uncertain Significance.

NM_001572.5(IRF7):c.21-26G>A

Gene: IRF7 (interferon regulatory factor 7; minus strand). Cytogenetic location: 11p15.5.
Variant type: single nucleotide variant.
Coding change: c.21-26G>A on transcript NM_001572.5 (MANE Select); 26 bases into the intron before coding-DNA position 21, G replaced by A.
Molecular consequence: intron variant. On other transcripts: missense variant (1).
Genome position (GRCh38, 1-based): chr11:615,285, C>T on the plus strand (G>A on the coding strand, the complement: IRF7 is on the minus strand). VCF-style: chr11-615285-C-T. GRCh37 (hg19) VCF-style: chr11-615285-C-T.
Other names: c.34G>A, p.Asp12Asn (NM_004031.4); c.21-26G>A (NM_004029.4); short protein forms D12N.
Identifiers: ClinVar variation 2788473 (VCV002788473.3), dbSNP rs760738078, ClinGen allele CA5784121.
Genomic context (GRCh38, chr11:615,285, plus strand): 5'-GGAGCCACTCTCCGAACAGCACGCGTGGGGCTGCCCTGCGGGTGCCCGGCCGCGGAGAGT[C>T]AGGGCCGGCTGCAGGGCGCTCGGGGACTGGCATCTGGAGAGGGTGGGCCGGGCTCTTACC-3'